The following is an entry in ClinVar:

ClinVar aggregate classification (germline): Uncertain significance (1 of 4 stars; one submission).

Submission:

GeneDx
Classification: Uncertain significance. Last evaluated: 2024-12-19. Review status: criteria provided, single submitter. Criteria: GeneDx Variant Classification Process June 2021. Collection method: clinical testing. Allele origin: germline. Affected: yes.
Comment: Not observed at significant frequency in large population cohorts (gnomAD); In silico analysis supports that this missense variant has a deleterious effect on protein structure/function; Has not been previously published as pathogenic or benign to our knowledge

NM_002972.4(SBF1):c.3469C>T (p.Arg1157Cys)

Gene: SBF1 (SET binding factor 1; minus strand). Cytogenetic location: 22q13.33.
Variant type: single nucleotide variant.
Coding change: c.3469C>T on transcript NM_002972.4 (MANE Select); coding-DNA position 3469, C replaced by T.
Protein change: p.Arg1157Cys; replaces arginine 1157 with cysteine.
Molecular consequence: missense variant.
Genome position (GRCh38, 1-based): chr22:50,459,974, G>A on the plus strand (C>T on the coding strand, the complement: SBF1 is on the minus strand). VCF-style: chr22-50459974-G-A. GRCh37 (hg19) VCF-style: chr22-50898403-G-A.
Other names: c.3472C>T, p.Arg1158Cys (NM_001365819.1, NM_001410794.1); c.3469C>T, p.Arg1157Cys (NM_001410795.1); short protein forms R1157C, R1158C.
Identifiers: ClinVar variation 3906287 (VCV003906287.1).